The following is an entry in ClinVar:

ClinVar aggregate classification (germline): Uncertain significance (1 of 4 stars; one submission).

gnomAD v4.1: 14 of 1,371,214 alleles (0.001%); highest among the groups gnomAD compares: Middle Eastern, 0.027%; no homozygotes.

Submission:

Labcorp Genetics (formerly Invitae), Labcorp
Classification: Uncertain significance. Last evaluated: 2025-10-26. Review status: criteria provided, single submitter. Criteria: Invitae Variant Classification Sherloc (09022015). Collection method: clinical testing. Allele origin: germline.
Comment: This sequence change replaces alanine, which is neutral and non-polar, with valine, which is neutral and non-polar, at codon 44 of the TRIM28 protein (p.Ala44Val). This variant is not present in population databases (gnomAD no frequency). This variant has not been reported in the literature in individuals affected with TRIM28-related conditions. Experimental studies and prediction algorithms are not available or were not evaluated, and the functional significance of this variant is currently unknown. In summary, the available evidence is currently insufficient to determine the role of this variant in disease. Therefore, it has been classified as a Variant of Uncertain Significance.

NM_005762.3(TRIM28):c.131C>T (p.Ala44Val)

Genes: TRIM28 (tripartite motif containing 28; plus strand), LOC130065239 (ATAC-STARR-seq lymphoblastoid silent region 11093; plus strand). Cytogenetic location: 19q13.43.
Variant type: single nucleotide variant.
Coding change: c.131C>T on transcript NM_005762.3 (MANE Select); coding-DNA position 131, C replaced by T.
Protein change: p.Ala44Val; replaces alanine 44 with valine.
Molecular consequence: missense variant.
Genome position (GRCh38, 1-based): chr19:58,544,888, C>T. VCF-style: chr19-58544888-C-T. GRCh37 (hg19) VCF-style: chr19-59056255-C-T.
Other names: short protein forms A44V.
Identifiers: ClinVar variation 4799027 (VCV004799027.1).
Genomic context (GRCh38, chr19:58,544,888, plus strand): 5'-AGGGCTCCGCTGGCGGCGAAAAGCGCTCCACCGCCCCTTCGGCCGCAGCCTCGGCCTCTG[C>T]CTCAGCCGCGGCGTCGTCGCCCGCGGGGGGCGGCGCCGAGGCGCTGGAGCTGCTGGAGCA-3'
Protein context (NP_005753.1, residues 34-54): TAPSAAASAS[Ala44Val]SAAASSPAGG